The following is an entry in ClinVar:

ClinVar aggregate classification (germline): Uncertain significance (1 of 4 stars; one submission).

Conditions:
Joubert syndrome. Also called: CEREBELLOPARENCHYMAL DISORDER IV; JOUBERT-BOLTSHAUSER SYNDROME; Familial aplasia of the vermis. Identifiers: Orphanet 475, MedGen C5979921, MONDO:0018772.

gnomAD v4.1: 4 of 1,613,358 alleles (0.00025%); highest among the groups gnomAD compares: South Asian, 0.0033%; no homozygotes.

Submission:

Labcorp Genetics (formerly Invitae), Labcorp
Classification: Uncertain significance for Joubert syndrome. Last evaluated: 2025-01-06. Review status: criteria provided, single submitter. Criteria: Invitae Variant Classification Sherloc (09022015). Collection method: clinical testing. Allele origin: germline.
Comment: This sequence change replaces alanine, which is neutral and non-polar, with valine, which is neutral and non-polar, at codon 1064 of the AHI1 protein (p.Ala1064Val). This variant is present in population databases (rs769705227, gnomAD 0.006%). This variant has not been reported in the literature in individuals affected with AHI1-related conditions. Invitae Evidence Modeling of protein sequence and biophysical properties (such as structural, functional, and spatial information, amino acid conservation, physicochemical variation, residue mobility, and thermodynamic stability) has been performed for this missense variant. However, the output from this modeling did not meet the statistical confidence thresholds required to predict the impact of this variant on AHI1 protein function. In summary, the available evidence is currently insufficient to determine the role of this variant in disease. Therefore, it has been classified as a Variant of Uncertain Significance.

NM_001134831.2(AHI1):c.3191C>T (p.Ala1064Val)

Gene: AHI1 (Abelson helper integration site 1; minus strand). Cytogenetic location: 6q23.3.
Variant type: single nucleotide variant.
Coding change: c.3191C>T on transcript NM_001134831.2 (MANE Select); coding-DNA position 3191, C replaced by T.
Protein change: p.Ala1064Val; replaces alanine 1064 with valine.
Molecular consequence: missense variant.
Genome position (GRCh38, 1-based): chr6:135,323,299, G>A on the plus strand (C>T on the coding strand, the complement: AHI1 is on the minus strand). VCF-style: chr6-135323299-G-A. GRCh37 (hg19) VCF-style: chr6-135644437-G-A.
Other names: c.3191C>T, p.Ala1064Val (NM_001134830.2, NM_001350503.2, NM_001350504.2 and 1 more transcripts); short protein forms A1064V.
Identifiers: ClinVar variation 3691136 (VCV003691136.1).
Genomic context (GRCh38, chr6:135,323,299, plus strand): 5'-TCTTTGAAAAACACTCGGATAATGTCTCCGCGATGGATGGTTAGTTCATCTGATCGATTC[G>A]CTGTGTAGTCATAAAGAGCCACTACCTAAGAGAGAGATAAGACCACCACAGCTTTATCAC-3'
Protein context (NP_001128303.1, residues 1054-1074): PTVVALYDYT[Ala1064Val]NRSDELTIHR